The following is an entry in ClinVar:

ClinVar aggregate classification (germline): Uncertain significance. Review status: criteria provided, multiple submitters, no conflicts (2 of 4 stars). 2 submissions from 2 submitters: Uncertain significance (2). Last evaluated 2026-01-02.

Conditions:
NLRP3-related disorder. Also called: NLRP3-related condition; NLRP3-Related Disorders.

gnomAD v4.1: 6 of 1,614,194 alleles (0.00037%); highest among the groups gnomAD compares: Admixed American, 0.0083%; no homozygotes.

Submissions (2):

PreventionGenetics, part of Exact Sciences
Classification: Uncertain significance for NLRP3-related condition. Last evaluated: 2026-01-02. Review status: criteria provided, single submitter. Criteria: ACMG Guidelines, 2015. Collection method: clinical testing. Allele origin: germline.
Comment: The NLRP3 c.1003C>A variant is predicted to result in the amino acid substitution p.Leu335Ile. To our knowledge, this variant has not been reported in the literature. This variant is reported in 0.012% of alleles in individuals of Latino descent in gnomAD. Although we suspect that this variant may be benign, at this time, the clinical significance of this variant is uncertain due to the absence of conclusive functional and genetic evidence.

GeneDx
Classification: Uncertain significance. Last evaluated: 2025-07-17. Review status: criteria provided, single submitter. Criteria: GeneDx Variant Classification Process June 2021. Collection method: clinical testing. Allele origin: germline. Affected: yes.
Comment: In silico analysis suggests that this missense variant does not alter protein structure/function; Has not been previously published as pathogenic or benign to our knowledge; Also known as p.(L333I); This variant is associated with the following publications: (PMID: 19302049)

NM_001243133.2(NLRP3):c.997C>A (p.Leu333Ile)

Gene: NLRP3 (NLR family pyrin domain containing 3; plus strand). Cytogenetic location: 1q44.
Variant type: single nucleotide variant.
Coding change: c.997C>A on transcript NM_001243133.2 (MANE Select); coding-DNA position 997, C replaced by A.
Protein change: p.Leu333Ile; replaces leucine 333 with isoleucine.
Molecular consequence: missense variant.
Genome position (GRCh38, 1-based): chr1:247,424,446, C>A. VCF-style: chr1-247424446-C-A. GRCh37 (hg19) VCF-style: chr1-247587748-C-A.
Other names: c.997C>A, p.Leu333Ile (NM_001079821.3, NM_001127461.3, NM_001127462.3 and 1 more transcripts); c.1003C>A, p.Leu335Ile (NM_004895.5); short protein forms L333I, L335I.
Identifiers: ClinVar variation 4686429 (VCV004686429.2).
Genomic context (GRCh38, chr1:247,424,446, plus strand): 5'-ATAGGACCGCTCTGCACTGACTGGCAGAAGGCCGAGCGGGGAGACATTCTCCTGAGCAGC[C>A]TCATCAGAAAGAAGCTGCTTCCCGAGGCCTCTCTGCTCATCACCACGAGACCTGTGGCCC-3'
Protein context (NP_001230062.1, residues 323-343): AERGDILLSS[Leu333Ile]IRKKLLPEAS